The following is an entry in ClinVar:

NM_000094.4(COL7A1):c.1181C>T (p.Thr394Ile)

Gene: COL7A1 (collagen type VII alpha 1 chain; minus strand). Cytogenetic location: 3p21.31.
Variant type: single nucleotide variant.
Coding change: c.1181C>T on transcript NM_000094.4 (MANE Select); coding-DNA position 1181, C replaced by T.
Protein change: p.Thr394Ile; replaces threonine 394 with isoleucine.
Molecular consequence: missense variant.
Genome position (GRCh38, 1-based): chr3:48,592,161, G>A on the plus strand (C>T on the coding strand, the complement: COL7A1 is on the minus strand). VCF-style: chr3-48592161-G-A. GRCh37 (hg19) VCF-style: chr3-48629594-G-A.
Other names: short protein forms T394I.
Identifiers: ClinVar variation 2074265 (VCV002074265.5), dbSNP rs759638330, ClinGen allele CA2381305.

ClinVar aggregate classification (germline): Uncertain significance. Review status: criteria provided, multiple submitters, no conflicts (2 of 4 stars). 3 submissions from 3 submitters: Uncertain significance (3). Last evaluated 2025-09-01.

Conditions:
Inborn genetic diseases. Identifiers: MedGen C0950123, MeSH D030342.

Allele frequency attached by ClinVar (database versions not stated): ExAC 0.00001.
gnomAD v4.1: 22 of 1,614,106 alleles (0.0014%); highest among the groups gnomAD compares: Non-Finnish European, 0.0019%; no homozygotes.

Submissions (3):

Ambry Genetics
Classification: Uncertain significance for Inborn genetic diseases. Last evaluated: 2025-09-01. Review status: criteria provided, single submitter. Criteria: Ambry Variant Classification Scheme 2023. Collection method: clinical testing. Allele origin: germline.

Labcorp Genetics (formerly Invitae), Labcorp
Classification: Uncertain significance. Last evaluated: 2025-07-13. Review status: criteria provided, single submitter. Criteria: Invitae Variant Classification Sherloc (09022015). Collection method: clinical testing. Allele origin: germline.
Comment: This sequence change replaces threonine, which is neutral and polar, with isoleucine, which is neutral and non-polar, at codon 394 of the COL7A1 protein (p.Thr394Ile). This variant is present in population databases (rs759638330, gnomAD 0.0009%). This variant has not been reported in the literature in individuals affected with COL7A1-related conditions. ClinVar contains an entry for this variant (Variation ID: 2074265). Invitae Evidence Modeling of protein sequence and biophysical properties (such as structural, functional, and spatial information, amino acid conservation, physicochemical variation, residue mobility, and thermodynamic stability) indicates that this missense variant is not expected to disrupt COL7A1 protein function with a negative predictive value of 95%. In summary, the available evidence is currently insufficient to determine the role of this variant in disease. Therefore, it has been classified as a Variant of Uncertain Significance.

GeneDx
Classification: Uncertain significance. Last evaluated: 2024-03-06. Review status: criteria provided, single submitter. Criteria: GeneDx Variant Classification Process June 2021. Collection method: clinical testing. Allele origin: germline. Affected: yes.
Comment: Has not been previously published as pathogenic or benign to our knowledge; Not observed at significant frequency in large population cohorts (gnomAD); In silico analysis supports that this missense variant does not alter protein structure/function